The following is an entry in ClinVar:

ClinVar aggregate classification (germline): Uncertain significance (1 of 4 stars; one submission).

Conditions:
Neurodevelopmental disorder with hypotonia, stereotypic hand movements, and impaired language. Also called: Intellectual disability, autosomal dominant 20. Identifiers: Orphanet 228384, Orphanet 664410, MedGen C3150700, MONDO:0013266, OMIM 613443.

Submission:

Labcorp Genetics (formerly Invitae), Labcorp
Classification: Uncertain significance for Neurodevelopmental disorder with hypotonia, stereotypic hand movements, and impaired language. Last evaluated: 2022-09-28. Review status: criteria provided, single submitter. Criteria: Invitae Variant Classification Sherloc (09022015). Collection method: clinical testing. Allele origin: germline.
Comment: In summary, the available evidence is currently insufficient to determine the role of this variant in disease. Therefore, it has been classified as a Variant of Uncertain Significance. Advanced modeling of protein sequence and biophysical properties (such as structural, functional, and spatial information, amino acid conservation, physicochemical variation, residue mobility, and thermodynamic stability) performed at Invitae indicates that this missense variant is not expected to disrupt MEF2C protein function. This variant has not been reported in the literature in individuals affected with MEF2C-related conditions. This variant is not present in population databases (gnomAD no frequency). This sequence change replaces asparagine, which is neutral and polar, with serine, which is neutral and polar, at codon 249 of the MEF2C protein (p.Asn249Ser).

NM_002397.5(MEF2C):c.746A>G (p.Asn249Ser)

Gene: MEF2C (myocyte enhancer factor 2C; minus strand). Cytogenetic location: 5q14.3.
Variant type: single nucleotide variant.
Coding change: c.746A>G on transcript NM_002397.5 (MANE Select); coding-DNA position 746, A replaced by G.
Protein change: p.Asn249Ser; replaces asparagine 249 with serine.
Molecular consequence: missense variant.
Genome position (GRCh38, 1-based): chr5:88,731,793, T>C on the plus strand (A>G on the coding strand, the complement: MEF2C is on the minus strand). VCF-style: chr5-88731793-T-C. GRCh37 (hg19) VCF-style: chr5-88027610-T-C.
Other names: c.740A>G, p.Asn247Ser (NM_001131005.2, NM_001364343.2, NM_001364352.2); c.800A>G, p.Asn267Ser (NM_001193347.1, NM_001364338.2); c.602A>G, p.Asn201Ser (NM_001193348.1, NM_001193349.3, NM_001364332.2 and 3 more transcripts); c.746A>G, p.Asn249Ser (NM_001193350.2, NM_001308002.3, NM_001363581.2 and 18 more transcripts); c.368A>G, p.Asn123Ser (NM_001364356.2, NM_001364353.2); c.320A>G, p.Asn107Ser (NM_001364357.2); short protein forms N107S, N123S, N201S, N247S, N249S, N267S.
Identifiers: ClinVar variation 1720584 (VCV001720584.6), dbSNP rs2547082497, ClinGen allele CA360423288.